The following is an entry in ClinVar:

ClinVar aggregate classification (germline): Uncertain significance. Review status: criteria provided, multiple submitters, no conflicts (2 of 4 stars). 2 submissions from 2 submitters: Uncertain significance (2). Last evaluated 2024-07-20.

Conditions:
Hereditary nonpolyposis colorectal neoplasms. Identifiers: MedGen C0009405, MeSH D003123.
Lynch syndrome. Identifiers: Orphanet 144, MedGen C4552100, MONDO:0005835. Disease mechanism: loss of function.

Submissions (2):

All of Us Research Program, National Institutes of Health
Classification: Uncertain significance for Lynch syndrome. Last evaluated: 2024-07-20. Review status: criteria provided, single submitter. Criteria: ACMG Guidelines, 2015. Collection method: clinical testing. Allele origin: germline. Inheritance: Autosomal dominant inheritance. Observed: 10 variant alleles, 10 heterozygotes.
Comment: This missense variant replaces serine with arginine at codon 87 of the MSH6 protein. Computational prediction suggests that this variant may not impact protein structure and function (internally defined REVEL score threshold <= 0.5, PMID: 27666373). Splice site prediction tools suggest that this variant may impact RNA splicing. To our knowledge, functional studies have not been reported for this variant. This variant has not been reported in individuals affected with MSH6-related disorders in the literature. This variant has not been identified in the general population by the Genome Aggregation Database (gnomAD). The available evidence is insufficient to determine the role of this variant in disease conclusively. Therefore, this variant is classified as a Variant of Uncertain Significance.

This study involves interpretation of variants in research participants for the purpose of population health screening. Participant phenotype was not available at the time of variant classification. Additional details can be found in publication PMID: 35346344, PMCID: PMC8962531

Labcorp Genetics (formerly Invitae), Labcorp
Classification: Uncertain significance for Hereditary nonpolyposis colorectal neoplasms. Last evaluated: 2023-07-25. Review status: criteria provided, single submitter. Criteria: Invitae Variant Classification Sherloc (09022015). Collection method: clinical testing. Allele origin: germline.
Comment: In summary, the available evidence is currently insufficient to determine the role of this variant in disease. Therefore, it has been classified as a Variant of Uncertain Significance. Algorithms developed to predict the effect of sequence changes on RNA splicing suggest that this variant may disrupt the consensus splice site. An algorithm developed to predict the effect of missense changes on protein structure and function (PolyPhen-2) suggests that this variant is likely to be tolerated. ClinVar contains an entry for this variant (Variation ID: 856514). This variant has not been reported in the literature in individuals affected with MSH6-related conditions. This variant is not present in population databases (gnomAD no frequency). This sequence change replaces serine, which is neutral and polar, with arginine, which is basic and polar, at codon 87 of the MSH6 protein (p.Ser87Arg).

NM_000179.3(MSH6):c.259A>C (p.Ser87Arg)

Genes: MSH6 (mutS homolog 6; plus strand), LOC129933707 (ATAC-STARR-seq lymphoblastoid silent region 11468; plus strand). Cytogenetic location: 2p16.3.
Variant type: single nucleotide variant.
Coding change: c.259A>C on transcript NM_000179.3 (MANE Select); coding-DNA position 259, A replaced by C.
Protein change: p.Ser87Arg; replaces serine 87 with arginine.
Molecular consequence: missense variant. On other transcripts: 5 prime UTR variant (1), intron variant (1).
Genome position (GRCh38, 1-based): chr2:47,783,492, A>C. VCF-style: chr2-47783492-A-C. GRCh37 (hg19) VCF-style: chr2-48010631-A-C.
Other names: c.-478A>C (NM_001281493.2); c.237+22A>C (NM_001281492.2); short protein forms S87R.
Identifiers: ClinVar variation 856514 (VCV000856514.14), dbSNP rs1064793939, ClinGen allele CA346735179.